The following is an entry in ClinVar:

ClinVar aggregate classification (germline): Likely benign (1 of 4 stars; one submission).

Conditions:
GLIS3-related disorder. Also called: GLIS3-related condition.

gnomAD v4.1: 2 of 1,613,860 alleles (0.00012%); highest among the groups gnomAD compares: Middle Eastern, 0.017%; no homozygotes.

Submission:

PreventionGenetics, part of Exact Sciences
Classification: Likely benign for GLIS3-related condition. Last evaluated: 2026-02-05. Review status: criteria provided, single submitter. Criteria: ACMG Guidelines, 2015. Collection method: clinical testing. Allele origin: germline.
Comment: This variant is classified as likely benign based on ACMG/AMP sequence variant interpretation guidelines (Richards et al. 2015 PMID: 25741868, with internal and published modifications).

NM_001042413.2(GLIS3):c.1711-3C>T

Gene: GLIS3 (GLIS family zinc finger 3; minus strand). Cytogenetic location: 9p24.2.
Variant type: single nucleotide variant.
Coding change: c.1711-3C>T on transcript NM_001042413.2 (MANE Select); 3 bases into the intron before coding-DNA position 1711, C replaced by T.
Molecular consequence: intron variant.
Genome position (GRCh38, 1-based): chr9:3,937,192, G>A on the plus strand (C>T on the coding strand, the complement: GLIS3 is on the minus strand). VCF-style: chr9-3937192-G-A. GRCh37 (hg19) VCF-style: chr9-3937192-G-A.
Other names: c.1045-3C>T (NM_001438912.1, NM_001438911.1); c.1246-3C>T (NM_001438909.1, NM_152629.4); c.1711-3C>T (NM_001438908.1, NM_001438906.1, NM_001438907.1).
Identifiers: ClinVar variation 4985438 (VCV004985438.1).